The following is an entry in ClinVar:

NM_001077415.3(CRELD1):c.658C>T (p.Arg220Ter)

Gene: CRELD1 (CRELD disulfide isomerase 1; plus strand). Cytogenetic location: 3p25.3.
Variant type: single nucleotide variant.
Coding change: c.658C>T on transcript NM_001077415.3 (MANE Select); coding-DNA position 658, C replaced by T.
Protein change: p.Arg220Ter; replaces arginine 220 with a stop codon.
Molecular consequence: nonsense. On other transcripts: non-coding transcript variant (3).
Genome position (GRCh38, 1-based): chr3:9,941,131, C>T. VCF-style: chr3-9941131-C-T. GRCh37 (hg19) VCF-style: chr3-9982815-C-T.
Other names: c.658C>T, p.Arg220Ter (NM_001031717.4, NM_001374316.1, NM_001374317.1 and 4 more transcripts); short protein forms R220*.
Identifiers: ClinVar variation 930822 (VCV000930822.8), dbSNP rs1433259474, ClinGen allele CA351720148.

ClinVar aggregate classification (germline): Conflicting classifications of pathogenicity. Review status: criteria provided, conflicting classifications (1 of 4 stars). 2 submissions from 2 submitters: Pathogenic (1); Uncertain significance (1). Last evaluated 2024-10-01.

Conditions:
Atrioventricular septal defect, susceptibility to, 2. Identifiers: MedGen C1853508, MONDO:0011650, OMIM 606217.

gnomAD v4.1: 4 of 1,614,202 alleles (0.00025%); highest among the groups gnomAD compares: African/African-American, 0.0013%; no homozygotes.

Submissions (2):

Labcorp Genetics (formerly Invitae), Labcorp
Classification: Pathogenic for Atrioventricular septal defect, susceptibility to, 2. Last evaluated: 2024-10-01. Review status: criteria provided, single submitter. Criteria: Invitae Variant Classification Sherloc (09022015). Collection method: clinical testing. Allele origin: germline.
Comment: This sequence change creates a premature translational stop signal (p.Arg220*) in the CRELD1 gene. It is expected to result in an absent or disrupted protein product. Loss-of-function variants in CRELD1 are known to be pathogenic (PMID: 37947183). This variant is present in population databases (no rsID available, gnomAD 0.007%). This variant has not been reported in the literature in individuals affected with CRELD1-related conditions. ClinVar contains an entry for this variant (Variation ID: 930822). For these reasons, this variant has been classified as Pathogenic.

Centre for Mendelian Genomics, University Medical Centre Ljubljana
Classification: Uncertain significance for Atrioventricular septal defect, susceptibility to, 2. Last evaluated: 2019-11-22. Review status: criteria provided, single submitter. Criteria: ACMG Guidelines, 2015. Collection method: clinical testing. Allele origin: unknown. Affected: yes.
Comment: This variant was classified as: Uncertain significance. The available evidence on this variant's pathogenicity is insufficient or conflicting. The following ACMG criteria were applied in classifying this variant: PM2,PP3.

Literature cited by the submitters: PubMed 37947183 (cited by Labcorp Genetics (formerly Invitae), Labcorp).